The following is an entry in ClinVar:

ClinVar aggregate classification (germline): Pathogenic (1 of 4 stars; one submission).

Conditions:
Polycystic kidney disease 4 (PKD4). Also called: POLYCYSTIC KIDNEY AND HEPATIC DISEASE 1; POLYCYSTIC KIDNEY DISEASE, INFANTILE, TYPE I; POLYCYSTIC KIDNEY DISEASE 4 WITH OR WITHOUT POLYCYSTIC LIVER DISEASE; PKD3; Autosomal Recessive Polycystic Kidney Disease – PKHD1. Identifiers: MedGen C4540575, MONDO:0033004, OMIM 263200.

Submission:

Myriad Genetics, Inc.
Classification: Pathogenic for Polycystic kidney disease 4. Last evaluated: 2024-04-03. Review status: criteria provided, single submitter. Criteria: Myriad Autosomal Dominant, Autosomal Recessive and X-Linked Classification Criteria (2023). Collection method: clinical testing. Allele origin: unknown.
Comment: NM_138694.3(PKHD1):c.1924delA(T642Pfs*71) is expected to be pathogenic in the context of autosomal recessive polycystic kidney disease, PKHD1-related. This variant is predicted to lead to an abnormal or absent protein product due to the creation of a premature termination codon in PKHD1, a gene where loss-of-function variants are known to be pathogenic. Please note: this variant was assessed in the context of healthy population screening.

NM_138694.4(PKHD1):c.1924del (p.Thr642fs)

Gene: PKHD1 (PKHD1 ciliary IPT domain containing fibrocystin/polyductin; minus strand). Cytogenetic location: 6p12.2.
Variant type: Deletion.
Coding change: c.1924del on transcript NM_138694.4 (MANE Select); coding-DNA position 1924, one base deleted (A; older notation c.1924delA).
Protein change: p.Thr642fs; shifts the reading frame from threonine 642.
Molecular consequence: frameshift variant.
Genome position (GRCh38, 1-based): chr6:52,054,078, T deleted on the plus strand (A on the coding strand, the reverse complement: PKHD1 is on the minus strand). VCF-style (leftmost placement, unchanged base first): chr6-52054077-GT-G. GRCh37 (hg19) VCF-style: chr6-51918875-GT-G.
Other names: c.1924del, p.Thr642fs (NM_170724.3); short protein forms T642fs.
Identifiers: ClinVar variation 5012887 (VCV005012887.1).